The following is an entry in ClinVar:

NM_025114.4(CEP290):c.102+1G>A

Gene: CEP290 (centrosomal protein 290; minus strand). Cytogenetic location: 12q21.32.
Variant type: single nucleotide variant.
Coding change: c.102+1G>A on transcript NM_025114.4 (MANE Select); the canonical splice donor site of the intron after coding-DNA position 102, G replaced by A.
Molecular consequence: splice donor variant.
Genome position (GRCh38, 1-based): chr12:88,141,205, C>T on the plus strand (G>A on the coding strand, the complement: CEP290 is on the minus strand). VCF-style: chr12-88141205-C-T. GRCh37 (hg19) VCF-style: chr12-88534982-C-T.
Identifiers: ClinVar variation 4816192 (VCV004816192.1).

ClinVar aggregate classification (germline): Likely pathogenic (1 of 4 stars; one submission).

Conditions:
Leber congenital amaurosis (LCA). Also called: Leber's amaurosis. Identifiers: Orphanet 65, MedGen C0339527, MeSH D057130, MONDO:0018998.

Submission:

Natera, Inc.
Classification: Likely pathogenic for Leber congenital amaurosis. Last evaluated: 2024-04-03. Review status: criteria provided, single submitter. Criteria: Natera Variant Classification Schema (03/2026). Collection method: clinical testing. Allele origin: germline.
Comment: The c.102+1G>A variant in CEP290 is a canonical splice donor site variant predicted to affect pre-mRNA splicing, which may result in an abnormal transcript and altered protein product. This variant is expected to result in nonsense mediated decay, truncation, or a dysfunctional protein product. This variant is rare in the general population with a frequency below the threshold expected for the associated phenotype(s). Given the available evidence, this variant is classified as Likely Pathogenic.